The following is an entry in ClinVar:

ClinVar aggregate classification (germline): Uncertain significance. Review status: criteria provided, multiple submitters, no conflicts (2 of 4 stars). 2 submissions from 2 submitters: Uncertain significance (2). Last evaluated 2025-10-18.

Conditions:
Inborn genetic diseases. Identifiers: MedGen C0950123, MeSH D030342.

gnomAD v4.1: 5 of 1,592,868 alleles (0.00031%); highest among the groups gnomAD compares: African/African-American, 0.0054%; no homozygotes.

Submissions (2):

Ambry Genetics
Classification: Uncertain significance for Inborn genetic diseases. Last evaluated: 2025-10-18. Review status: criteria provided, single submitter. Criteria: Ambry Variant Classification Scheme 2023. Collection method: clinical testing. Allele origin: germline.

Labcorp Genetics (formerly Invitae), Labcorp
Classification: Uncertain significance. Last evaluated: 2024-09-17. Review status: criteria provided, single submitter. Criteria: Invitae Variant Classification Sherloc (09022015). Collection method: clinical testing. Allele origin: germline.
Comment: This sequence change replaces alanine, which is neutral and non-polar, with valine, which is neutral and non-polar, at codon 108 of the PNPT1 protein (p.Ala108Val). This variant is not present in population databases (gnomAD no frequency). This variant has not been reported in the literature in individuals affected with PNPT1-related conditions. Invitae Evidence Modeling of protein sequence and biophysical properties (such as structural, functional, and spatial information, amino acid conservation, physicochemical variation, residue mobility, and thermodynamic stability) indicates that this missense variant is expected to disrupt PNPT1 protein function with a positive predictive value of 80%. In summary, the available evidence is currently insufficient to determine the role of this variant in disease. Therefore, it has been classified as a Variant of Uncertain Significance.

NM_033109.5(PNPT1):c.323C>T (p.Ala108Val)

Gene: PNPT1 (polyribonucleotide nucleotidyltransferase 1; minus strand). Cytogenetic location: 2p16.1.
Variant type: single nucleotide variant.
Coding change: c.323C>T on transcript NM_033109.5 (MANE Select); coding-DNA position 323, C replaced by T.
Protein change: p.Ala108Val; replaces alanine 108 with valine.
Molecular consequence: missense variant.
Genome position (GRCh38, 1-based): chr2:55,685,023, G>A on the plus strand (C>T on the coding strand, the complement: PNPT1 is on the minus strand). VCF-style: chr2-55685023-G-A. GRCh37 (hg19) VCF-style: chr2-55912158-G-A.
Other names: c.323C>T (NM_033109.3); short protein forms A108V.
Identifiers: ClinVar variation 3618023 (VCV003618023.3).